The following is an entry in ClinVar:

NM_001379228.1(MRAP):c.81C>T (p.Asp27=)

Gene: MRAP (melanocortin 2 receptor accessory protein; plus strand). Cytogenetic location: 21q22.11.
Variant type: single nucleotide variant.
Coding change: c.81C>T on transcript NM_001379228.1 (MANE Select); coding-DNA position 81, C replaced by T.
Protein change: p.Asp27=; no amino-acid change (aspartic acid 27 retained).
Molecular consequence: synonymous variant. On other transcripts: intron variant (1).
Genome position (GRCh38, 1-based): chr21:32,299,052, C>T. VCF-style: chr21-32299052-C-T. GRCh37 (hg19) VCF-style: chr21-33671363-C-T.
Other names: c.81C>T, p.Asp27= (NM_178817.4, NM_206898.2); c.-72+5920C>T (NM_001285394.2).
Identifiers: ClinVar variation 3347353 (VCV003347353.1).
Genomic context (GRCh38, chr21:32,299,052, plus strand): 5'-CTCTGCCCCATACTACAGCTATGAATACTACCTGGACTATCTGGACCTCATTCCCGTGGA[C>T]GAGAAGAAGCTGAAAGCCCACAAACGTAAGTCTGAACTAGGGAAGCCGGTCAGACAGAGG-3'
Protein context (NP_001366157.1, residues 17-37): YLDYLDLIPV[Asp27=]EKKLKAHKHS

ClinVar aggregate classification (germline): Likely benign (0 of 4 stars; one submission).

Conditions:
MRAP-related disorder. Also called: MRAP-related condition.

gnomAD v4.1: 13 of 1,613,898 alleles (0.00081%); highest among the groups gnomAD compares: East Asian, 0.0022%; no homozygotes.

Submission:

PreventionGenetics, part of Exact Sciences
Classification: Likely benign for MRAP-related condition. Last evaluated: 2024-07-10. Review status: no assertion criteria provided. Collection method: clinical testing. Allele origin: germline.
Comment: This variant is classified as likely benign based on ACMG/AMP sequence variant interpretation guidelines (Richards et al. 2015 PMID: 25741868, with internal and published modifications).